The following is an entry in ClinVar:

ClinVar aggregate classification (germline): Benign. Review status: criteria provided, multiple submitters, no conflicts (2 of 4 stars). 5 submissions from 5 submitters: Benign (5). Last evaluated 2026-02-04.

Conditions:
Vitamin K-dependent clotting factors, combined deficiency of, type 1. Also called: FACTORS II, VII, IX, AND X, COMBINED DEFICIENCY OF; FAMILIAL MULTIPLE COAGULATION FACTOR DEFICIENCY III; FMFD III; GLUTAMIC ACID, DEFICIENT GAMMA-CARBOXYLATION OF; MULTIPLE COAGULATION FACTOR DEFICIENCY III; VITAMIN K-DEPENDENT COAGULATION DEFECT. Identifiers: Orphanet 98434, MedGen C1848534, MONDO:0010187, OMIM 277450.

Allele frequency attached by ClinVar (database versions not stated): gnomAD exomes 0.02253 and 0.03067; ExAC 0.03149; 1000 Genomes Project 0.03994; 1000 Genomes Project 30x 0.04247; gnomAD 0.04645 and 0.04827; TOPMed 0.04766; ESP Exome Variant Server 0.05005.
gnomAD v4.1: 40,097 of 1,613,668 alleles (2.5%); highest among the groups gnomAD compares: African/African-American, 11%; 928 homozygotes.

Submissions (5):

Labcorp Genetics (formerly Invitae), Labcorp
Classification: Benign. Last evaluated: 2026-02-04. Review status: criteria provided, single submitter. Criteria: Invitae Variant Classification Sherloc (09022015). Collection method: clinical testing. Allele origin: germline.

Mayo Clinic Laboratories, Mayo Clinic
Classification: Benign. Last evaluated: 2023-09-15. Review status: criteria provided, single submitter. Criteria: ACMG Guidelines, 2015. Collection method: clinical testing. Allele origin: germline. Observed: 8 variant alleles.

GeneDx
Classification: Benign. Last evaluated: 2018-07-09. Review status: criteria provided, single submitter. Criteria: GeneDx Variant Classification Process June 2021. Collection method: clinical testing. Allele origin: germline. Affected: yes.

Illumina Laboratory Services, Illumina
Classification: Benign for Vitamin K-dependent clotting factors, combined deficiency of, type 1. Last evaluated: 2018-01-12. Review status: criteria provided, single submitter. Criteria: ICSL Variant Classification Criteria 13 December 2019. Collection method: clinical testing. Allele origin: germline.
Comment: This variant was observed in the ICSL laboratory as part of a predisposition screen in an ostensibly healthy population. It had not been previously curated by ICSL or reported in the Human Gene Mutation Database (HGMD: prior to June 1st, 2018), and was therefore a candidate for classification through an automated scoring system. Utilizing variant allele frequency, disease prevalence and penetrance estimates, and inheritance mode, an automated score was calculated to assess if this variant is too frequent to cause the disease. Based on the score and internal cut-off values, a variant classified as benign is not then subjected to further curation. The score for this variant resulted in a classification of benign for this disease.

Breakthrough Genomics
Classification: Benign. Review status: criteria provided, single submitter. Criteria: ACMG Guidelines, 2015. Collection method: not provided. Allele origin: germline. Inheritance: Autosomal recessive inheritance. Affected: yes.

NM_000821.7(GGCX):c.339C>T (p.Asp113=)

Gene: GGCX (gamma-glutamyl carboxylase; minus strand). Cytogenetic location: 2p11.2.
Variant type: single nucleotide variant.
Coding change: c.339C>T on transcript NM_000821.7 (MANE Select); coding-DNA position 339, C replaced by T.
Protein change: p.Asp113=; no amino-acid change (aspartic acid 113 retained).
Molecular consequence: synonymous variant.
Genome position (GRCh38, 1-based): chr2:85,558,951, G>A on the plus strand (C>T on the coding strand, the complement: GGCX is on the minus strand). VCF-style: chr2-85558951-G-A. GRCh37 (hg19) VCF-style: chr2-85786074-G-A.
Other names: p.Asp113=; c.168C>T, p.Asp56= (NM_001142269.4); c.339C>T, p.Asp113= (NM_001311312.3).
Identifiers: ClinVar variation 337275 (VCV000337275.17), dbSNP rs6751560, ClinGen allele CA1742166.